The following is an entry in ClinVar:

ClinVar aggregate classification (germline): Uncertain significance (1 of 4 stars; one submission).

Allele frequency attached by ClinVar (database versions not stated): gnomAD exomes below 0.00001 and 0.00001; TOPMed below 0.00001; ExAC 0.00001; gnomAD 0.00001.
gnomAD v4.1: 15 of 1,612,430 alleles (0.00093%); highest among the groups gnomAD compares: Non-Finnish European, 0.0013%; no homozygotes.

Submission:

Labcorp Genetics (formerly Invitae), Labcorp
Classification: Uncertain significance. Last evaluated: 2021-11-14. Review status: criteria provided, single submitter. Criteria: Invitae Variant Classification Sherloc (09022015). Collection method: clinical testing. Allele origin: germline.
Comment: This sequence change replaces glutamic acid, which is acidic and polar, with glycine, which is neutral and non-polar, at codon 631 of the TUBGCP6 protein (p.Glu631Gly). This variant is present in population databases (rs766699513, gnomAD 0.0009%). This variant has not been reported in the literature in individuals affected with TUBGCP6-related conditions. Algorithms developed to predict the effect of missense changes on protein structure and function are either unavailable or do not agree on the potential impact of this missense change (SIFT: "Tolerated"; PolyPhen-2: "Probably Damaging"; Align-GVGD: "Class C0"). In summary, the available evidence is currently insufficient to determine the role of this variant in disease. Therefore, it has been classified as a Variant of Uncertain Significance.

NM_020461.4(TUBGCP6):c.1892A>G (p.Glu631Gly)

Gene: TUBGCP6 (tubulin gamma complex component 6; minus strand). Cytogenetic location: 22q13.33.
Variant type: single nucleotide variant.
Coding change: c.1892A>G on transcript NM_020461.4 (MANE Select); coding-DNA position 1892, A replaced by G.
Protein change: p.Glu631Gly; replaces glutamic acid 631 with glycine.
Molecular consequence: missense variant.
Genome position (GRCh38, 1-based): chr22:50,225,885, T>C on the plus strand (A>G on the coding strand, the complement: TUBGCP6 is on the minus strand). VCF-style: chr22-50225885-T-C. GRCh37 (hg19) VCF-style: chr22-50664314-T-C.
Other names: short protein forms E631G.
Identifiers: ClinVar variation 1361544 (VCV001361544.3), dbSNP rs766699513, ClinGen allele CA10308462.